The following is an entry in ClinVar:

ClinVar aggregate classification (germline): Uncertain significance (1 of 4 stars; one submission).

Submission:

GeneDx
Classification: Uncertain significance. Last evaluated: 2022-02-18. Review status: criteria provided, single submitter. Criteria: GeneDx Variant Classification Process June 2021. Collection method: clinical testing. Allele origin: germline. Affected: yes.
Comment: Not observed at significant frequency in large population cohorts (gnomAD); In silico analysis supports that this missense variant has a deleterious effect on protein structure/function; Has not been previously published as pathogenic or benign to our knowledge

NM_024529.5(CDC73):c.211C>T (p.His71Tyr)

Gene: CDC73 (cell division cycle 73; plus strand). Cytogenetic location: 1q31.2.
Variant type: single nucleotide variant.
Coding change: c.211C>T on transcript NM_024529.5 (MANE Select); coding-DNA position 211, C replaced by T.
Protein change: p.His71Tyr; replaces histidine 71 with tyrosine.
Molecular consequence: missense variant.
Genome position (GRCh38, 1-based): chr1:193,125,191, C>T. VCF-style: chr1-193125191-C-T. GRCh37 (hg19) VCF-style: chr1-193094321-C-T.
Other names: short protein forms H71Y.
Identifiers: ClinVar variation 1702662 (VCV001702662.2), dbSNP rs2103114010, ClinGen allele CA343973205.